The following is an entry in ClinVar:

ClinVar aggregate classification (germline): Uncertain significance (1 of 4 stars; one submission).

Allele frequency attached by ClinVar (database versions not stated): gnomAD exomes below 0.00001 and 0.00001; ExAC 0.00002.
gnomAD v4.1: 1 of 1,614,228 alleles (0.000062%); highest among the groups gnomAD compares: Non-Finnish European, 0.000085%; no homozygotes.

Submission:

Labcorp Genetics (formerly Invitae), Labcorp
Classification: Uncertain significance. Last evaluated: 2023-08-30. Review status: criteria provided, single submitter. Criteria: Invitae Variant Classification Sherloc (09022015). Collection method: clinical testing. Allele origin: germline.
Comment: ClinVar contains an entry for this variant (Variation ID: 1443679). Advanced modeling of protein sequence and biophysical properties (such as structural, functional, and spatial information, amino acid conservation, physicochemical variation, residue mobility, and thermodynamic stability) performed at Invitae indicates that this missense variant is expected to disrupt ACAD9 protein function. In summary, the available evidence is currently insufficient to determine the role of this variant in disease. Therefore, it has been classified as a Variant of Uncertain Significance. This variant has not been reported in the literature in individuals affected with ACAD9-related conditions. This sequence change replaces valine, which is neutral and non-polar, with alanine, which is neutral and non-polar, at codon 225 of the ACAD9 protein (p.Val225Ala). This variant is present in population databases (rs767638288, gnomAD 0.002%).

NM_014049.5(ACAD9):c.674T>C (p.Val225Ala)

Gene: ACAD9 (acyl-CoA dehydrogenase family member 9; plus strand). Cytogenetic location: 3q21.3.
Variant type: single nucleotide variant.
Coding change: c.674T>C on transcript NM_014049.5 (MANE Select); coding-DNA position 674, T replaced by C.
Protein change: p.Val225Ala; replaces valine 225 with alanine.
Molecular consequence: missense variant. On other transcripts: non-coding transcript variant (1).
Genome position (GRCh38, 1-based): chr3:128,899,327, T>C. VCF-style: chr3-128899327-T-C. GRCh37 (hg19) VCF-style: chr3-128618170-T-C.
Other names: short protein forms V225A.
Identifiers: ClinVar variation 1443679 (VCV001443679.6), dbSNP rs767638288, ClinGen allele CA2601244.